The following is an entry in ClinVar:

ClinVar aggregate classification (germline): Benign. Review status: criteria provided, multiple submitters, no conflicts (2 of 4 stars). 19 submissions from 18 submitters: Benign (15). 4 of the submissions do not count toward it. Last evaluated 2026-02-04.

Conditions:
Cardiovascular phenotype. Identifiers: MedGen CN230736.
Myofibrillar myopathy 6. Identifiers: Orphanet 199340, MedGen C2751831, MONDO:0013061, OMIM 612954.
Dilated cardiomyopathy 1HH (CMD1HH). Identifiers: Orphanet 154, MedGen C3151293, MONDO:0013479, OMIM 613881.

Allele frequency attached by ClinVar (database versions not stated): 1000 Genomes Project 0.70647; 1000 Genomes Project 30x 0.71034; gnomAD exomes 0.73777 and 0.76987; ExAC 0.74090; TOPMed 0.75215; gnomAD 0.75660 and 0.75935; ESP Exome Variant Server 0.77034.
gnomAD v4.1: 1,240,052 of 1,613,978 alleles (77%); highest among the groups gnomAD compares: Middle Eastern, 80%; 478,889 homozygotes.

Submissions (19):

Labcorp Genetics (formerly Invitae), Labcorp
Classification: Benign for Dilated cardiomyopathy 1HH; Myofibrillar myopathy 6. Last evaluated: 2026-02-04. Review status: criteria provided, single submitter. Criteria: Invitae Variant Classification Sherloc (09022015). Collection method: clinical testing. Allele origin: germline.

Molecular Diagnostic Laboratory for Inherited Cardiovascular Disease, Montreal Heart Institute
Classification: Benign. Last evaluated: 2025-04-09. Review status: criteria provided, single submitter. Criteria: ACMG Guidelines, 2015. Collection method: clinical testing. Allele origin: germline. Affected: no.

Blueprint Genetics
Classification: Benign. Last evaluated: 2024-11-27. Review status: criteria provided, single submitter. Criteria: ACMG Guidelines, 2015. Collection method: clinical testing. Allele origin: germline.

Mayo Clinic Laboratories, Mayo Clinic
Classification: Benign. Last evaluated: 2022-04-26. Review status: criteria provided, single submitter. Criteria: ACMG Guidelines, 2015. Collection method: clinical testing. Allele origin: germline. Observed: 2,918 variant alleles.

Genome-Nilou Lab
Classification: Benign for Myofibrillar myopathy 6. Last evaluated: 2021-07-14. Review status: criteria provided, single submitter. Criteria: ACMG Guidelines, 2015. Collection method: clinical testing. Allele origin: germline. Affected: no.

Illumina Laboratory Services, Illumina
Classification: Benign for Dilated cardiomyopathy 1HH. Last evaluated: 2018-01-13. Review status: criteria provided, single submitter. Criteria: ICSL Variant Classification Criteria 13 December 2019. Collection method: clinical testing. Allele origin: germline.
Comment: This variant was observed in the ICSL laboratory as part of a predisposition screen in an ostensibly healthy population. It had not been previously curated by ICSL or reported in the Human Gene Mutation Database (HGMD: prior to June 1st, 2018), and was therefore a candidate for classification through an automated scoring system. Utilizing variant allele frequency, disease prevalence and penetrance estimates, and inheritance mode, an automated score was calculated to assess if this variant is too frequent to cause the disease. Based on the score and internal cut-off values, a variant classified as benign is not then subjected to further curation. The score for this variant resulted in a classification of benign for this disease.

Illumina Laboratory Services, Illumina
Classification: Benign for Myofibrillar myopathy 6. Last evaluated: 2018-01-13. Review status: criteria provided, single submitter. Criteria: ICSL Variant Classification Criteria 13 December 2019. Collection method: clinical testing. Allele origin: germline.
Comment: the same text as in the submission from Illumina Laboratory Services, Illumina above.

Women's Health and Genetics/Laboratory Corporation of America, LabCorp
Classification: Benign. Last evaluated: 2017-08-04. Review status: criteria provided, single submitter. Criteria: LabCorp Variant Classification Summary - May 2015. Collection method: clinical testing. Allele origin: germline.
Comment: Variant summary: The BAG3 c.1296A>G (p.Val432Val) variant involves the alteration of a non-conserved nucleotide, resulting in a synonymous change. Mutation taster predicts a polymorphism outcome for this variant. 5/5 splice prediction tools predict no significant impact on normal splicing. ESEfinder predicts that it affects binding of multiple ESE sites. However, these predictions have yet to be confirmed by functional studies. This variant was found in 89871/121300 control chromosomes (33720 homozygotes) from ExAC at a frequency of 0.7408986, which is approximately 18967 times the estimated maximal expected allele frequency of a pathogenic BAG3 variant (0.0000391), thus this variant is a very common benign polymorphism and allele G the wildtype allele at this position. In addition, multiple clinical diagnostic laboratories have classified this variant as benign. The variant of interest has not, to our knowledge, been reported in affected individuals in literature. Taken together, this variant is classified as benign.

Athena Diagnostics
Classification: Benign for Myofibrillar myopathy 6. Last evaluated: 2017-06-02. Review status: criteria provided, single submitter. Criteria: Athena Diagnostics Criteria. Collection method: clinical testing. Allele origin: germline.

Ambry Genetics
Classification: Benign for Cardiovascular phenotype. Last evaluated: 2015-03-11. Review status: criteria provided, single submitter. Criteria: Ambry Variant Classification Scheme 2023. Collection method: clinical testing. Allele origin: germline.

GeneDx
Classification: Benign. Last evaluated: 2014-01-08. Review status: criteria provided, single submitter. Criteria: GeneDx Variant Classification (06012015). Collection method: clinical testing. Allele origin: germline. Affected: yes.
Comment: This variant is considered likely benign or benign based on one or more of the following criteria: it is a conservative change, it occurs at a poorly conserved position in the protein, it is predicted to be benign by multiple in silico algorithms, and/or has population frequency not consistent with disease.

Eurofins Ntd Llc (ga)
Classification: Benign. Last evaluated: 2013-03-12. Review status: criteria provided, single submitter. Criteria: EGL Classification Definitions 2015. Collection method: clinical testing. Allele origin: germline. Observed: 1 variant allele, 1 homozygote.

Laboratory for Molecular Medicine, Mass General Brigham Personalized Medicine
Classification: Benign. Last evaluated: 2012-03-19. Review status: criteria provided, single submitter. Criteria: LMM Criteria. Collection method: clinical testing. Allele origin: germline. Observed: 1,620 variant alleles.
Comment: p.Val432Val in Exon 04 of BAG3: This variant is not expected to have clinical si gnificance because it does not alter an amino acid residue, is not located withi n the splice consensus sequence and has been identified in 24.3% (909/3738) of A frican American chromosomes from a broad population by the NHLBI Exome Sequencin g Project (dbSNP rs196295).

Breakthrough Genomics
Classification: Benign. Review status: criteria provided, single submitter. Criteria: ACMG Guidelines, 2015. Collection method: not provided. Allele origin: germline. Inheritance: Autosomal dominant inheritance. Affected: yes.

PreventionGenetics, part of Exact Sciences
Classification: Benign. Review status: criteria provided, single submitter. Criteria: ACMG Guidelines, 2015. Collection method: clinical testing. Allele origin: germline.

Clinical Genetics, Academic Medical Center
Classification: Benign. Review status: no assertion criteria provided. Collection method: clinical testing. Allele origin: germline. Affected: yes. Study: VKGL Data-share Consensus. Not counted in ClinVar's aggregate classification.

Diagnostic Laboratory, Department of Genetics, University Medical Center Groningen
Classification: Benign. Review status: no assertion criteria provided. Collection method: clinical testing. Allele origin: germline. Affected: yes. Study: VKGL Data-share Consensus. Not counted in ClinVar's aggregate classification.

Genome Diagnostics Laboratory, University Medical Center Utrecht
Classification: Benign. Review status: no assertion criteria provided. Collection method: clinical testing. Allele origin: germline. Affected: yes. Study: VKGL Data-share Consensus. Not counted in ClinVar's aggregate classification.

Joint Genome Diagnostic Labs from Nijmegen and Maastricht, Radboudumc and MUMC+
Classification: Benign. Review status: no assertion criteria provided. Collection method: clinical testing. Allele origin: germline. Affected: yes. Study: VKGL Data-share Consensus. Not counted in ClinVar's aggregate classification.

NM_004281.4(BAG3):c.1296A>G (p.Val432=)

Gene: BAG3 (BAG cochaperone 3; plus strand). Cytogenetic location: 10q26.11.
Variant type: single nucleotide variant.
Coding change: c.1296A>G on transcript NM_004281.4 (MANE Select); coding-DNA position 1296, A replaced by G.
Protein change: p.Val432=; no amino-acid change (valine 432 retained).
Molecular consequence: synonymous variant.
Genome position (GRCh38, 1-based): chr10:119,676,850, A>G. VCF-style: chr10-119676850-A-G. GRCh37 (hg19) VCF-style: chr10-121436362-A-G.
Other names: p.V432V:GTA>GTG; p.Val432=.
Identifiers: ClinVar variation 44777 (VCV000044777.37), dbSNP rs196295, ClinGen allele CA282458.